The following is an entry in ClinVar:

NM_000321.3(RB1):c.287dup (p.Glu97fs)

Gene: RB1 (RB transcriptional corepressor 1; plus strand). Cytogenetic location: 13q14.2.
Variant type: Duplication.
Coding change: c.287dup on transcript NM_000321.3 (MANE Select); coding-DNA position 287, one base duplicated (A; older notation c.287dupA).
Protein change: p.Glu97fs; shifts the reading frame from glutamic acid 97.
Molecular consequence: frameshift variant.
Genome position (GRCh38, 1-based): chr13:48,342,621, A duplicated; the last of 5 consecutive A bases (chr13:48,342,617-48,342,621); duplicating any one gives the same sequence. VCF-style (leftmost placement, unchanged base first): chr13-48342616-G-GA. GRCh37 (hg19) VCF-style: chr13-48916752-G-GA.
Other names: c.287dup, p.Glu97Glyfs (NM_001407165.1, NM_001407166.1); short protein forms E97fs.
Identifiers: ClinVar variation 2034790 (VCV002034790.5), dbSNP rs2138083574, ClinGen allele CA645578596.

ClinVar aggregate classification (germline): Pathogenic. Review status: criteria provided, multiple submitters, no conflicts (2 of 4 stars). 2 submissions from 2 submitters: Pathogenic (2). Last evaluated 2024-05-20.

Conditions:
Retinoblastoma (RB1). Also called: RETINOBLASTOMA, SOMATIC. Identifiers: Orphanet 790, MedGen C0035335, MeSH D012175, MONDO:0008380, OMIM 180200, HP:0009919. Disease mechanism: loss of function. Inheritance: Both sporadic and heritable forms are tested..

Submissions (2):

Genetic Diagnostic Laboratory, University of Pennsylvania School of Medicine
Classification: Pathogenic for Retinoblastoma. Last evaluated: 2024-05-20. Review status: criteria provided, single submitter. Criteria: ACMG Guidelines, 2015. Collection method: clinical testing. Allele origin: germline. Affected: yes. Observed: 1 variant allele.
Comment: Case and Pedigree Information: BILATERAL CASES:1, UNILATERAL CASES:0, TOTAL CASES:1, PEDIGREES:1. ACMG Codes Applied:PVS1, PM2

Labcorp Genetics (formerly Invitae), Labcorp
Classification: Pathogenic for Retinoblastoma. Last evaluated: 2022-10-08. Review status: criteria provided, single submitter. Criteria: Invitae Variant Classification Sherloc (09022015). Collection method: clinical testing. Allele origin: germline.
Comment: This sequence change creates a premature translational stop signal (p.Glu97Glyfs*13) in the RB1 gene. It is expected to result in an absent or disrupted protein product. Loss-of-function variants in RB1 are known to be pathogenic (PMID: 17096365). For these reasons, this variant has been classified as Pathogenic. This variant has not been reported in the literature in individuals affected with RB1-related conditions. This variant is not present in population databases (gnomAD no frequency).

Literature cited by the submitters: PubMed 17096365 (cited by Labcorp Genetics (formerly Invitae), Labcorp).